The following is an entry in ClinVar:

ClinVar aggregate classification (germline): Uncertain significance. Review status: criteria provided, single submitter (1 of 4 stars). 2 submissions from 2 submitters: Uncertain significance (1). 1 of the submissions does not count toward it. Last evaluated 2025-04-07.

Conditions:
Wiedemann-Steiner syndrome (WDSTS). Also called: Growth deficiency and mental retardation with facial dysmorphism. Identifiers: Orphanet 319182, MedGen C1854630, MONDO:0011518, OMIM 605130.

Submissions (2):

Labcorp Genetics (formerly Invitae), Labcorp
Classification: Uncertain significance. Last evaluated: 2025-04-07. Review status: criteria provided, single submitter. Criteria: Invitae Variant Classification Sherloc (09022015). Collection method: clinical testing. Allele origin: germline.
Comment: This sequence change replaces proline, which is neutral and non-polar, with alanine, which is neutral and non-polar, at codon 2452 of the KMT2A protein (p.Pro2452Ala). This variant is not present in population databases (gnomAD no frequency). This variant has not been reported in the literature in individuals affected with KMT2A-related conditions. ClinVar contains an entry for this variant (Variation ID: 1355836). Invitae Evidence Modeling of protein sequence and biophysical properties (such as structural, functional, and spatial information, amino acid conservation, physicochemical variation, residue mobility, and thermodynamic stability) indicates that this missense variant is not expected to disrupt KMT2A protein function with a negative predictive value of 95%. In summary, the available evidence is currently insufficient to determine the role of this variant in disease. Therefore, it has been classified as a Variant of Uncertain Significance.

Clinical Genomics Laboratory, Stanford Medicine
Classification: Uncertain significance for Wiedemann-Steiner syndrome. Last evaluated: 2020-11-24. Review status: no assertion criteria provided. Collection method: clinical testing. Allele origin: germline. Inheritance: Autosomal dominant inheritance. Affected: yes. Observed: 1 heterozygote. Not counted in ClinVar's aggregate classification.
Comment: The p.Pro2452Ala variant in the KMT2A gene has not been previously reported in association with disease. This variant was absent from large population databases, including the Genome Aggregation Database. The KMT2A gene has fewer missense variants in the general population than expected. A low rate of missense variation may suggest that this gene is intolerant to missense variation. These data were assessed using the ACMG/AMP variant interpretation guidelines. In summary, the significance of the p.Pro2452Ala variant is uncertain. Additional information is needed to resolve the significance of this variant. [ACMG evidence codes used: PM2; PP2]

NM_001197104.2(KMT2A):c.7354C>G (p.Pro2452Ala)

Gene: KMT2A (lysine methyltransferase 2A; plus strand). Cytogenetic location: 11q23.3.
Variant type: single nucleotide variant.
Coding change: c.7354C>G on transcript NM_001197104.2 (MANE Select); coding-DNA position 7354, C replaced by G.
Protein change: p.Pro2452Ala; replaces proline 2452 with alanine.
Molecular consequence: missense variant.
Genome position (GRCh38, 1-based): chr11:118,503,246, C>G. VCF-style: chr11-118503246-C-G. GRCh37 (hg19) VCF-style: chr11-118373961-C-G.
Other names: p.Pro2452Ala; c.7345C>G, p.Pro2449Ala (NM_005933.4); c.7354C>G (NM_001197104.1); short protein forms P2452A, P2449A.
Identifiers: ClinVar variation 1355836 (VCV001355836.7), dbSNP rs2134391388, ClinGen allele CA382805238.